The following is an entry in ClinVar:

NM_024652.6(LRRK1):c.4765C>T (p.Gln1589Ter)

Genes: LRRK1-AS1 (LRRK1 antisense RNA 1; minus strand), LRRK1 (leucine rich repeat kinase 1; plus strand). Cytogenetic location: 15q26.3.
Variant type: single nucleotide variant.
Coding change: c.4765C>T on transcript NM_024652.6 (MANE Select); coding-DNA position 4765, C replaced by T.
Protein change: p.Gln1589Ter; replaces glutamine 1589 with a stop codon.
Molecular consequence: nonsense.
Genome position (GRCh38, 1-based): chr15:101,061,256, C>T. VCF-style: chr15-101061256-C-T. GRCh37 (hg19) VCF-style: chr15-101601461-C-T.
Other names: short protein forms Q1589*.
Identifiers: ClinVar variation 4715614 (VCV004715614.1).

ClinVar aggregate classification (germline): Pathogenic (1 of 4 stars; one submission).

Submission:

Labcorp Genetics (formerly Invitae), Labcorp
Classification: Pathogenic. Last evaluated: 2025-05-22. Review status: criteria provided, single submitter. Criteria: Invitae Variant Classification Sherloc (09022015). Collection method: clinical testing. Allele origin: germline.
Comment: This sequence change creates a premature translational stop signal (p.Gln1589*) in the LRRK1 gene. It is expected to result in an absent or disrupted protein product. Loss-of-function variants in LRRK1 are known to be pathogenic (PMID: 23526378, 31571209, 32119750). This variant is not present in population databases (gnomAD no frequency). This variant has not been reported in the literature in individuals affected with LRRK1-related conditions. For these reasons, this variant has been classified as Pathogenic.

Literature cited by the submitters: PubMed 23526378; PubMed 31571209; PubMed 32119750.